The following is an entry in ClinVar:

NM_000939.4(POMC):c.282C>T (p.Ser94=)

Gene: POMC (proopiomelanocortin; minus strand). Cytogenetic location: 2p23.3.
Variant type: single nucleotide variant.
Coding change: c.282C>T on transcript NM_000939.4 (MANE Select); coding-DNA position 282, C replaced by T.
Protein change: p.Ser94=; no amino-acid change (serine 94 retained).
Molecular consequence: synonymous variant.
Genome position (GRCh38, 1-based): chr2:25,161,603, G>A on the plus strand (C>T on the coding strand, the complement: POMC is on the minus strand). VCF-style: chr2-25161603-G-A. GRCh37 (hg19) VCF-style: chr2-25384472-G-A.
Other names: c.282C>T, p.Ser94= (NM_001035256.3, NM_001319204.2, NM_001319205.2).
Identifiers: ClinVar variation 335356 (VCV000335356.16), dbSNP rs28930368, ClinGen allele CA1555338.

ClinVar aggregate classification (germline): Benign/Likely benign. Review status: criteria provided, multiple submitters, no conflicts (2 of 4 stars). 6 submissions from 5 submitters: Benign (5); Likely benign (1). Last evaluated 2026-02-02.

Conditions:
Obesity. Also called: Obesity disorder. Identifiers: Orphanet 71529, MedGen C0028754, MeSH D009765, MONDO:0011122, HP:0001513.
Obesity due to pro-opiomelanocortin deficiency. Also called: Obesity, adrenal insufficiency, and red hair due to POMC deficiency; OBESITY, EARLY-ONSET, WITH ADRENAL INSUFFICIENCY AND RED HAIR; PROOPIOMELANOCORTIN DEFICIENCY. Identifiers: Orphanet 71526, MedGen C1857854, MONDO:0012335, OMIM 609734.

Allele frequency attached by ClinVar (database versions not stated): ESP Exome Variant Server 0.00155; TOPMed 0.02287; gnomAD 0.02915; gnomAD exomes 0.05240; ExAC 0.07606; 1000 Genomes Project 30x 0.08182; 1000 Genomes Project 0.08946.
gnomAD v4.1: 28,993 of 1,556,648 alleles (1.9%); highest among the groups gnomAD compares: East Asian, 30%; 2,478 homozygotes.

Submissions (6):

Labcorp Genetics (formerly Invitae), Labcorp
Classification: Benign. Last evaluated: 2026-02-02. Review status: criteria provided, single submitter. Criteria: Invitae Variant Classification Sherloc (09022015). Collection method: clinical testing. Allele origin: germline.

Blueprint Genetics
Classification: Likely benign. Last evaluated: 2024-11-26. Review status: criteria provided, single submitter. Criteria: ACMG Guidelines, 2015. Collection method: clinical testing. Allele origin: germline.

GeneDx
Classification: Benign. Last evaluated: 2018-11-12. Review status: criteria provided, single submitter. Criteria: GeneDx Variant Classification Process June 2021. Collection method: clinical testing. Allele origin: germline. Affected: yes.

Illumina Laboratory Services, Illumina
Classification: Benign for Obesity due to pro-opiomelanocortin deficiency. Last evaluated: 2018-01-13. Review status: criteria provided, single submitter. Criteria: ICSL Variant Classification Criteria 13 December 2019. Collection method: clinical testing. Allele origin: germline.
Comment: This variant was observed in the ICSL laboratory as part of a predisposition screen in an ostensibly healthy population. It had not been previously curated by ICSL or reported in the Human Gene Mutation Database (HGMD: prior to June 1st, 2018), and was therefore a candidate for classification through an automated scoring system. Utilizing variant allele frequency, disease prevalence and penetrance estimates, and inheritance mode, an automated score was calculated to assess if this variant is too frequent to cause the disease. Based on the score and internal cut-off values, a variant classified as benign is not then subjected to further curation. The score for this variant resulted in a classification of benign for this disease.

Illumina Laboratory Services, Illumina
Classification: Benign for Inherited obesity. Last evaluated: 2018-01-13. Review status: criteria provided, single submitter. Criteria: ICSL Variant Classification Criteria 13 December 2019. Collection method: clinical testing. Allele origin: germline.
Comment: the same text as in the submission from Illumina Laboratory Services, Illumina above.

Breakthrough Genomics
Classification: Benign. Review status: criteria provided, single submitter. Criteria: ACMG Guidelines, 2015. Collection method: not provided. Allele origin: germline. Inheritance: Autosomal recessive inheritance. Affected: yes.